The following is an entry in ClinVar:

NM_001849.4(COL6A2):c.1769C>T (p.Thr590Met)

Gene: COL6A2 (collagen type VI alpha 2 chain; plus strand). Cytogenetic location: 21q22.3.
Variant type: single nucleotide variant.
Coding change: c.1769C>T on transcript NM_001849.4 (MANE Select); coding-DNA position 1769, C replaced by T.
Protein change: p.Thr590Met; replaces threonine 590 with methionine.
Molecular consequence: missense variant.
Genome position (GRCh38, 1-based): chr21:46,124,919, C>T. VCF-style: chr21-46124919-C-T. GRCh37 (hg19) VCF-style: chr21-47544833-C-T.
Other names: p.T590M:ACG>ATG; c.1769C>T, p.Thr590Met (NM_058174.3, NM_058175.3); short protein forms T590M.
Identifiers: ClinVar variation 93920 (VCV000093920.93), dbSNP rs142709940, ClinGen allele CA147444.
Genomic context (GRCh38, chr21:46,124,919, plus strand): 5'-TCTCAGCCTCATCCTTCCTTCCCCAGGGTGAGCCCGGCCCCCCTGGAGACCCCGGTCTCA[C>T]GGTAGGTGTCACATGGGGCAGAACCAGTGTCCTTCTCCTGCCAAAACTAGACACCAAGAG-3'
Protein context (NP_001840.3, residues 580-600): EPGPPGDPGL[Thr590Met]ECDVMTYVRE

ClinVar aggregate classification (germline): Benign/Likely benign. Review status: criteria provided, multiple submitters, no conflicts (2 of 4 stars). 9 submissions from 9 submitters: Benign (1); Likely benign (7). 1 of the submissions does not count toward it. Last evaluated 2026-09-01.

Conditions:
COL6A2-related disorder.
Collagen 6-related myopathy. Identifiers: MedGen CN117976, MONDO:0100225.
Bethlem myopathy 1A. Also called: MYOPATHY, BENIGN CONGENITAL, WITH CONTRACTURES; Bethlem myopathy 1; Bethlem Muscular Dystrophy. Identifiers: Orphanet 610, MedGen CN029274, MONDO:0024530, OMIM 158810.

Allele frequency attached by ClinVar (database versions not stated): ESP Exome Variant Server 0.00177; 1000 Genomes Project 0.00040; 1000 Genomes Project 30x 0.00031; TOPMed 0.00164.
gnomAD v4.1: 3,964 of 1,612,876 alleles (0.25%); highest among the groups gnomAD compares: Non-Finnish European, 0.29%; 9 homozygotes.

Submissions (9):

CeGaT Center for Human Genetics Tuebingen
Classification: Likely benign. Last evaluated: 2026-09-01. Review status: criteria provided, single submitter. Criteria: CeGaT Center For Human Genetics Tuebingen Variant Classification Criteria Version 2. Collection method: clinical testing. Allele origin: germline. Affected: yes. Observed: 12 variant alleles.
Comment: COL6A2: BS2

Labcorp Genetics (formerly Invitae), Labcorp
Classification: Likely benign for Bethlem myopathy 1A. Last evaluated: 2026-02-01. Review status: criteria provided, single submitter. Criteria: Invitae Variant Classification Sherloc (09022015). Collection method: clinical testing. Allele origin: germline.

Mayo Clinic Laboratories, Mayo Clinic
Classification: Likely benign. Last evaluated: 2025-03-26. Review status: criteria provided, single submitter. Criteria: ACMG Guidelines, 2015. Collection method: clinical testing. Allele origin: germline. Observed: 7 variant alleles.
Comment: BS1

Blueprint Genetics
Classification: Likely benign. Last evaluated: 2024-11-28. Review status: criteria provided, single submitter. Criteria: ACMG Guidelines, 2015. Collection method: clinical testing. Allele origin: germline.

Women's Health and Genetics/Laboratory Corporation of America, LabCorp
Classification: Likely benign. Last evaluated: 2024-04-04. Review status: criteria provided, single submitter. Criteria: LabCorp Variant Classification Summary - May 2015. Collection method: clinical testing. Allele origin: germline.
Comment: Variant summary: COL6A2 c.1769C>T (p.Thr590Met) results in a non-conservative amino acid change in the encoded protein sequence. Five of five in-silico tools predict a damaging effect of the variant on protein function. This variant is within the exonic splice region in exon 23. Consensus agreement among computation tools predict no significant impact on normal splicing. However, these predictions have yet to be confirmed by functional studies. The variant allele was found at a frequency of 0.0019 in 250244 control chromosomes, predominantly at a frequency of 0.0026 within the Non-Finnish European subpopulation in the gnomAD database, including 1 homozygotes, suggesting this variant may be benign. c.1769C>T has been reported in the literature in individuals affected with non-specified Neuromuscular Disorders (example, Ankala_2014, Meinke_2020). These report(s) do not provide unequivocal conclusions about association of the variant with Collagen Type VI-Related Disorders. To our knowledge, no experimental evidence demonstrating an impact on protein function has been reported. The following publications have been ascertained in the context of this evaluation (PMID: 25380242, 31862442). ClinVar contains an entry for this variant (Variation ID: 93920). Based on the evidence outlined above, the variant was classified as likely benign.

GeneDx
Classification: Likely benign. Last evaluated: 2021-04-26. Review status: criteria provided, single submitter. Criteria: GeneDx Variant Classification Process June 2021. Collection method: clinical testing. Allele origin: germline. Affected: yes.
Comment: This variant is associated with the following publications: (PMID: 25380242, 18378883, 25535305, 24038877, 31862442, 32528171)

Illumina Laboratory Services, Illumina
Classification: Benign for Collagen VI-related myopathy. Last evaluated: 2018-01-13. Review status: criteria provided, single submitter. Criteria: ICSL Variant Classification Criteria 13 December 2019. Collection method: clinical testing. Allele origin: germline.
Comment: This variant was observed in the ICSL laboratory as part of a predisposition screen in an ostensibly healthy population. It had not been previously curated by ICSL or reported in the Human Gene Mutation Database (HGMD: prior to June 1st, 2018), and was therefore a candidate for classification through an automated scoring system. Utilizing variant allele frequency, disease prevalence and penetrance estimates, and inheritance mode, an automated score was calculated to assess if this variant is too frequent to cause the disease. Based on the score and internal cut-off values, a variant classified as benign is not then subjected to further curation. The score for this variant resulted in a classification of benign for this disease.

Eurofins Ntd Llc (ga)
Classification: Likely benign. Last evaluated: 2015-04-17. Review status: criteria provided, single submitter. Criteria: EGL Classification Definitions 2015. Collection method: clinical testing. Allele origin: germline. Observed: 6 variant alleles, 5 heterozygotes, 1 homozygote.

PreventionGenetics, part of Exact Sciences
Classification: Likely benign for COL6A2-related condition. Last evaluated: 2021-04-05. Review status: no assertion criteria provided. Collection method: clinical testing. Allele origin: germline. Not counted in ClinVar's aggregate classification.
Comment: This variant is classified as likely benign based on ACMG/AMP sequence variant interpretation guidelines (Richards et al. 2015 PMID: 25741868, with internal and published modifications).

Literature cited by the submitters: PubMed 18378883 (cited by Mayo Clinic Laboratories, Mayo Clinic and Eurofins Ntd Llc (ga)); PubMed 24038877 (cited by Mayo Clinic Laboratories, Mayo Clinic and Eurofins Ntd Llc (ga)); PubMed 25380242 (cited by Mayo Clinic Laboratories, Mayo Clinic and Women's Health and Genetics/Laboratory Corporation of America, LabCorp); PubMed 25535305 (cited by Mayo Clinic Laboratories, Mayo Clinic); PubMed 31862442 (cited by Women's Health and Genetics/Laboratory Corporation of America, LabCorp).